The following is an entry in ClinVar:

NM_001003722.2(GLE1):c.629_630del (p.Arg210fs)

Gene: GLE1 (GLE1 RNA export mediator; plus strand). Cytogenetic location: 9q34.11.
Variant type: Deletion.
Coding change: c.629_630del on transcript NM_001003722.2 (MANE Select); coding-DNA positions 629 to 630, 2 bases deleted (GT; older notation c.629_630delGT).
Protein change: p.Arg210fs; shifts the reading frame from arginine 210.
Molecular consequence: frameshift variant.
Genome position (GRCh38, 1-based): chr9:128,523,327-128,523,328, GT deleted. VCF-style (leftmost placement, unchanged base first): chr9-128523326-CGT-C. GRCh37 (hg19) VCF-style: chr9-131285605-CGT-C.
Other names: c.629_630del, p.Arg210fs (NM_001411013.1, NM_001499.2); short protein forms R210fs.
Identifiers: ClinVar variation 2697146 (VCV002697146.3), dbSNP rs2540595215, ClinGen allele CA2697558059.

ClinVar aggregate classification (germline): Pathogenic (1 of 4 stars; one submission).

Submission:

Labcorp Genetics (formerly Invitae), Labcorp
Classification: Pathogenic. Last evaluated: 2023-11-18. Review status: criteria provided, single submitter. Criteria: Invitae Variant Classification Sherloc (09022015). Collection method: clinical testing. Allele origin: germline.
Comment: This sequence change creates a premature translational stop signal (p.Arg210Profs*56) in the GLE1 gene. It is expected to result in an absent or disrupted protein product. Loss-of-function variants in GLE1 are known to be pathogenic (PMID: 18204449, 24243016, 27684565). This variant is not present in population databases (gnomAD no frequency). This variant has not been reported in the literature in individuals affected with GLE1-related conditions. For these reasons, this variant has been classified as Pathogenic.

Literature cited by the submitters: PubMed 18204449; PubMed 24243016; PubMed 27684565.